The following is an entry in ClinVar:

NM_022552.5(DNMT3A):c.2125C>T (p.Pro709Ser)

Gene: DNMT3A (DNA methyltransferase 3 alpha; minus strand). Cytogenetic location: 2p23.3.
Variant type: single nucleotide variant.
Coding change: c.2125C>T on transcript NM_022552.5 (MANE Select); coding-DNA position 2125, C replaced by T.
Protein change: p.Pro709Ser; replaces proline 709 with serine.
Molecular consequence: missense variant. On other transcripts: non-coding transcript variant (1).
Genome position (GRCh38, 1-based): chr2:25,240,688, G>A on the plus strand (C>T on the coding strand, the complement: DNMT3A is on the minus strand). VCF-style: chr2-25240688-G-A. GRCh37 (hg19) VCF-style: chr2-25463557-G-A.
Other names: c.1669C>T, p.Pro557Ser (NM_001320893.1); c.1456C>T, p.Pro486Ser (NM_001375819.1); c.1558C>T, p.Pro520Ser (NM_153759.3); c.2125C>T, p.Pro709Ser (NM_175629.2); short protein forms P486S, P520S, P557S, P709S.
Identifiers: ClinVar variation 5035539 (VCV005035539.1).

ClinVar aggregate classification (germline): Uncertain significance (1 of 4 stars; one submission).

Conditions:
Inborn genetic diseases. Identifiers: MedGen C0950123, MeSH D030342.

Submission:

Ambry Genetics
Classification: Uncertain significance for Inborn genetic diseases. Last evaluated: 2026-06-18. Review status: criteria provided, single submitter. Criteria: Ambry Variant Classification Scheme 2023. Collection method: clinical testing. Allele origin: germline.
Comment: The c.2125C>T (p.P709S) alteration is located in exon 18 (coding exon 17) of the DNMT3A gene. This alteration results from a C to T substitution at nucleotide position 2125, causing the proline (P) at amino acid position 709 to be replaced by a serine (S). This variant was not reported in population-based cohorts in the Genome Aggregation Database (gnomAD). Based on internal structural analysis, this variant is anticipated to disrupt a region of known function (DiNardo, 2021). This variant is predicted to be deleterious by in silico analysis (Choi, 2012). Based on insufficient or conflicting evidence, the clinical significance of this alteration remains unclear.

Literature cited by the submitters: PubMed 32856987.